The following is an entry in ClinVar:

ClinVar aggregate classification (germline): Conflicting classifications of pathogenicity. Review status: criteria provided, conflicting classifications (1 of 4 stars). 8 submissions from 8 submitters: Uncertain significance (1); Benign (2); Likely benign (4). 1 of the submissions does not count toward it. Last evaluated 2026-01-19.

Conditions:
KDM5C-related disorder. Also called: KDM5C-related condition.
Inborn genetic diseases. Identifiers: MedGen C0950123, MeSH D030342.
Spastic paraplegia. Identifiers: MedGen C0037772, HP:0001258.

Allele frequency attached by ClinVar (database versions not stated): gnomAD 0.00018 and 0.00019; gnomAD exomes 0.00020 and 0.00036; TOPMed 0.00021; ExAC 0.00025; ESP Exome Variant Server 0.00028.
gnomAD v4.1: 405 of 1,209,054 alleles (0.033%); highest among the groups gnomAD compares: Non-Finnish European, 0.043%; no homozygotes.

Submissions (8):

Labcorp Genetics (formerly Invitae), Labcorp
Classification: Benign for Spastic paraplegia. Last evaluated: 2026-01-19. Review status: criteria provided, single submitter. Criteria: Invitae Variant Classification Sherloc (09022015). Collection method: clinical testing. Allele origin: germline.

Blueprint Genetics
Classification: Likely benign. Last evaluated: 2024-11-25. Review status: criteria provided, single submitter. Criteria: ACMG Guidelines, 2015. Collection method: clinical testing. Allele origin: germline.

CeGaT Center for Human Genetics Tuebingen
Classification: Likely benign. Last evaluated: 2021-07-01. Review status: criteria provided, single submitter. Criteria: CeGaT Center For Human Genetics Tuebingen Variant Classification Criteria Version 2. Collection method: clinical testing. Allele origin: germline. Affected: yes. Observed: 1 variant allele.

GeneDx
Classification: Benign. Last evaluated: 2021-03-09. Review status: criteria provided, single submitter. Criteria: GeneDx Variant Classification Process June 2021. Collection method: clinical testing. Allele origin: germline. Affected: yes.
Comment: This variant is associated with the following publications: (PMID: 28912153, 26580603)

Eurofins Ntd Llc (ga)
Classification: Likely benign. Last evaluated: 2018-03-26. Review status: criteria provided, single submitter. Criteria: EGL ClinVar v180209 classification definitions. Collection method: clinical testing. Allele origin: germline. Observed: 1 variant allele, 1 hemizygote.

Ambry Genetics
Classification: Likely benign for Inborn genetic diseases. Last evaluated: 2017-01-27. Review status: criteria provided, single submitter. Criteria: Ambry Variant Classification Scheme 2023. Collection method: clinical testing. Allele origin: germline.

Genetic Services Laboratory, University of Chicago
Classification: Uncertain significance. Last evaluated: 2014-12-16. Review status: criteria provided, single submitter. Criteria: ACMG Guidelines, 2015. Collection method: clinical testing. Allele origin: germline.

PreventionGenetics, part of Exact Sciences
Classification: Likely benign for KDM5C-related condition. Last evaluated: 2020-12-07. Review status: no assertion criteria provided. Collection method: clinical testing. Allele origin: germline. Not counted in ClinVar's aggregate classification.
Comment: This variant is classified as likely benign based on ACMG/AMP sequence variant interpretation guidelines (Richards et al. 2015 PMID: 25741868, with internal and published modifications).

NM_004187.5(KDM5C):c.536G>A (p.Arg179His)

Gene: KDM5C (lysine demethylase 5C; minus strand). Cytogenetic location: Xp11.22.
Variant type: single nucleotide variant.
Coding change: c.536G>A on transcript NM_004187.5 (MANE Select); coding-DNA position 536, G replaced by A.
Protein change: p.Arg179His; replaces arginine 179 with histidine.
Molecular consequence: missense variant. On other transcripts: non-coding transcript variant (3).
Genome position (GRCh38, 1-based): chrX:53,217,264, C>T on the plus strand (G>A on the coding strand, the complement: KDM5C is on the minus strand). VCF-style: chrX-53217264-C-T. GRCh37 (hg19) VCF-style: chrX-53246446-C-T.
Other names: c.335G>A, p.Arg112His (NM_001146702.2); c.533G>A, p.Arg178His (NM_001282622.3, NM_001353979.2, NM_001353982.2); c.536G>A, p.Arg179His (NM_001353978.3, NM_001353981.2, NM_001353984.2); short protein forms R179H, R112H, R178H.
Identifiers: ClinVar variation 211252 (VCV000211252.62), dbSNP rs201805773, ClinGen allele CA208080.